The following is an entry in ClinVar:

ClinVar aggregate classification (germline): Uncertain significance (1 of 4 stars; one submission).

Conditions:
Neuropathy, hereditary sensory and autonomic, type 2A (HSAN2A). Also called: ACROOSTEOLYSIS, GIACCAI TYPE; ACROOSTEOLYSIS, NEUROGENIC; MORVAN DISEASE; NEUROPATHY, CONGENITAL SENSORY; NEUROPATHY, HEREDITARY SENSORY RADICULAR, AUTOSOMAL RECESSIVE; NEUROPATHY, HEREDITARY SENSORY, TYPE IIA. Identifiers: Orphanet 970, MedGen C2752089, MONDO:0024309, OMIM 201300.
Generalized epilepsy with febrile seizures plus, type 7 (GEFSP7). Also called: GEFS+, TYPE 7. Identifiers: Orphanet 36387, MedGen C2751778, MONDO:0013470, OMIM 613863.

Submission:

Labcorp Genetics (formerly Invitae), Labcorp
Classification: Uncertain significance for Neuropathy, hereditary sensory and autonomic, type 2A; Generalized epilepsy with febrile seizures plus, type 7. Last evaluated: 2023-06-21. Review status: criteria provided, single submitter. Criteria: Invitae Variant Classification Sherloc (09022015). Collection method: clinical testing. Allele origin: germline.
Comment: This sequence change replaces methionine, which is neutral and non-polar, with valine, which is neutral and non-polar, at codon 108 of the SCN9A protein (p.Met108Val). This variant is not present in population databases (gnomAD no frequency). This variant has not been reported in the literature in individuals affected with SCN9A-related conditions. Advanced modeling of protein sequence and biophysical properties (such as structural, functional, and spatial information, amino acid conservation, physicochemical variation, residue mobility, and thermodynamic stability) performed at Invitae indicates that this missense variant is not expected to disrupt SCN9A protein function. In summary, the available evidence is currently insufficient to determine the role of this variant in disease. Therefore, it has been classified as a Variant of Uncertain Significance.

NM_001365536.1(SCN9A):c.322A>G (p.Met108Val)

Gene: SCN9A (sodium voltage-gated channel alpha subunit 9; minus strand). Cytogenetic location: 2q24.3.
Variant type: single nucleotide variant.
Coding change: c.322A>G on transcript NM_001365536.1 (MANE Select); coding-DNA position 322, A replaced by G.
Protein change: p.Met108Val; replaces methionine 108 with valine.
Molecular consequence: missense variant.
Genome position (GRCh38, 1-based): chr2:166,307,011, T>C on the plus strand (A>G on the coding strand, the complement: SCN9A is on the minus strand). VCF-style: chr2-166307011-T-C. GRCh37 (hg19) VCF-style: chr2-167163521-T-C.
Other names: c.322A>G, p.Met108Val (NM_002977.4); short protein forms M108V.
Identifiers: ClinVar variation 2938003 (VCV002938003.3), dbSNP rs2468135230, ClinGen allele CA349095624.